The following is an entry in ClinVar:

ClinVar aggregate classification (germline): Uncertain significance. Review status: criteria provided, multiple submitters, no conflicts (2 of 4 stars). 3 submissions from 3 submitters: Uncertain significance (2). 1 of the submissions does not count toward it. Last evaluated 2025-01-20.

Conditions:
WHIM syndrome 2 (SCN13). Also called: WARTS, HYPOGAMMAGLOBULINEMIA, INFECTIONS, AND MYELOKATHEXIS SYNDROME 2; NEUTROPENIA, SEVERE CONGENITAL, 13, AUTOSOMAL RECESSIVE. Identifiers: MedGen C5543622, MONDO:0030374, OMIM 619407.

Allele frequency attached by ClinVar (database versions not stated): ExAC 0.00002; gnomAD exomes 0.00005 and 0.00009; gnomAD 0.00006 and 0.00007; ESP Exome Variant Server 0.00008; TOPMed 0.00010.
gnomAD v4.1: 145 of 1,613,978 alleles (0.009%); highest among the groups gnomAD compares: Non-Finnish European, 0.011%; no homozygotes.

Submissions (3):

Labcorp Genetics (formerly Invitae), Labcorp
Classification: Uncertain significance. Last evaluated: 2025-01-20. Review status: criteria provided, single submitter. Criteria: Invitae Variant Classification Sherloc (09022015). Collection method: clinical testing. Allele origin: germline.
Comment: This sequence change replaces arginine, which is basic and polar, with cysteine, which is neutral and slightly polar, at codon 289 of the CXCR2 protein (p.Arg289Cys). This variant is present in population databases (rs200726461, gnomAD 0.01%). This missense change has been observed in individual(s) with clinical features of congenital neutropenia (PMID: 34854278). In at least one individual the data is consistent with being in trans (on the opposite chromosome) from a pathogenic variant. ClinVar contains an entry for this variant (Variation ID: 1413354). An algorithm developed to predict the effect of missense changes on protein structure and function (PolyPhen-2) suggests that this variant is likely to be disruptive. In summary, the available evidence is currently insufficient to determine the role of this variant in disease. Therefore, it has been classified as a Variant of Uncertain Significance.

Blueprint Genetics
Classification: Uncertain significance. Last evaluated: 2024-03-07. Review status: criteria provided, single submitter. Criteria: ACMG Guidelines, 2015. Collection method: clinical testing. Allele origin: germline.

OMIM
Classification: Pathogenic for NEUTROPENIA, SEVERE CONGENITAL, 13, AUTOSOMAL RECESSIVE. Last evaluated: 2026-05-21. Review status: no assertion criteria provided. Collection method: literature only. Allele origin: germline. Not counted in ClinVar's aggregate classification.

Literature cited by the submitters: PubMed 34854278 (cited by Labcorp Genetics (formerly Invitae), Labcorp and OMIM); PubMed 40874343 (cited by OMIM).

NM_001557.4(CXCR2):c.865C>T (p.Arg289Cys)

Gene: CXCR2 (C-X-C motif chemokine receptor 2; plus strand). Cytogenetic location: 2q35.
Variant type: single nucleotide variant.
Coding change: c.865C>T on transcript NM_001557.4 (MANE Select); coding-DNA position 865, C replaced by T.
Protein change: p.Arg289Cys; replaces arginine 289 with cysteine.
Molecular consequence: missense variant.
Genome position (GRCh38, 1-based): chr2:218,135,666, C>T. VCF-style: chr2-218135666-C-T. GRCh37 (hg19) VCF-style: chr2-219000389-C-T.
Other names: c.865C>T, p.Arg289Cys (NM_001168298.2); short protein forms R289C.
Identifiers: ClinVar variation 1413354 (VCV001413354.8), dbSNP rs200726461, ClinGen allele CA2101797.
Genomic context (GRCh38, chr2:218,135,666, plus strand): 5'-CTGGTCCTGCTGGCAGACACCCTCATGAGGACCCAGGTGATCCAGGAGACCTGTGAGCGC[C>T]GCAATCACATCGACCGGGCTCTGGATGCCACCGAGATTCTGGGCATCCTTCACAGCTGCC-3'
Protein context (NP_001548.1, residues 279-299): TQVIQETCER[Arg289Cys]NHIDRALDAT